The following is an entry in ClinVar:

NM_002691.4(POLD1):c.2820+4A>G

Gene: POLD1 (DNA polymerase delta 1, catalytic subunit; plus strand). Cytogenetic location: 19q13.33.
Variant type: single nucleotide variant.
Coding change: c.2820+4A>G on transcript NM_002691.4 (MANE Select); 4 bases into the intron after coding-DNA position 2820, A replaced by G.
Molecular consequence: intron variant.
Genome position (GRCh38, 1-based): chr19:50,415,830, A>G. VCF-style: chr19-50415830-A-G. GRCh37 (hg19) VCF-style: chr19-50919087-A-G.
Other names: c.2820+4A>G (NM_001256849.1, NM_001438212.1, NM_001438213.1); c.2748+4A>G (NM_001438210.1, NM_001438211.1); c.2898+4A>G (NM_001308632.1).
Identifiers: ClinVar variation 4844399 (VCV004844399.1).
Genomic context (GRCh38, chr19:50,415,830, plus strand): 5'-GTCCCCTACGTGATCATCAGTGCCGCCAAGGGTGTGGCCGCCTACATGAAGTCGGAGGTC[A>G]GGCCCACCTGGCTGCCTGCTCCCGCCCAGCCCCCTCGCTCTCACTTCTGCTTTCCGAGAT-3'

ClinVar aggregate classification (germline): Uncertain significance (1 of 4 stars; one submission).

Conditions:
Hereditary cancer-predisposing syndrome. Also called: Neoplastic Syndromes, Hereditary; Tumor predisposition; Hereditary Cancer Syndrome; Hereditary neoplastic syndrome. Identifiers: Orphanet 140162, MedGen C0027672, MeSH D009386, MONDO:0015356.

Submission:

Ambry Genetics
Classification: Uncertain significance for Hereditary cancer-predisposing syndrome. Last evaluated: 2026-02-26. Review status: criteria provided, single submitter. Criteria: Ambry Variant Classification Scheme 2023. Collection method: clinical testing. Allele origin: germline.
Comment: The c.2820+4A>G intronic variant results from an A to G substitution 4 nucleotides after coding exon 21 in the POLD1 gene. This nucleotide position is well conserved in available vertebrate species. In silico splice site analysis for this alteration is inconclusive. Based on the available evidence, the clinical significance of this variant remains unclear.